The following is an entry in ClinVar:

NM_003579.4(RAD54L):c.754G>A (p.Asp252Asn)

Gene: RAD54L (RAD54 like; plus strand). Cytogenetic location: 1p34.1.
Variant type: single nucleotide variant.
Coding change: c.754G>A on transcript NM_003579.4 (MANE Select); coding-DNA position 754, G replaced by A.
Protein change: p.Asp252Asn; replaces aspartic acid 252 with asparagine.
Molecular consequence: missense variant.
Genome position (GRCh38, 1-based): chr1:46,261,003, G>A. VCF-style: chr1-46261003-G-A. GRCh37 (hg19) VCF-style: chr1-46726675-G-A.
Other names: c.754G>A, p.Asp252Asn (NM_001142548.2); c.214G>A, p.Asp72Asn (NM_001370766.1); short protein forms D252N, D72N.
Identifiers: ClinVar variation 3223459 (VCV003223459.1), dbSNP rs970703244, ClinGen allele CA21906151.

ClinVar aggregate classification (germline): Uncertain significance (1 of 4 stars; one submission).

gnomAD v4.1: 5 of 1,613,592 alleles (0.00031%); highest among the groups gnomAD compares: Middle Eastern, 0.017%; no homozygotes.

Submission:

Ambry Genetics
Classification: Uncertain significance. Last evaluated: 2023-09-21. Review status: criteria provided, single submitter. Criteria: Ambry Variant Classification Scheme 2023. Collection method: clinical testing. Allele origin: germline.
Comment: The p.D252N variant (also known as c.754G>A), located in coding exon 7 of the RAD54L gene, results from a G to A substitution at nucleotide position 754. The aspartic acid at codon 252 is replaced by asparagine, an amino acid with highly similar properties. This amino acid position is conserved. In addition, this alteration is predicted to be tolerated by in silico analysis. Since supporting evidence is limited at this time, the clinical significance of this alteration remains unclear.